The following is an entry in ClinVar:

NM_003072.5(SMARCA4):c.1892C>T (p.Thr631Ile)

Gene: SMARCA4 (SWI/SNF related BAF chromatin remodeling complex subunit ATPase 4; plus strand). Cytogenetic location: 19p13.2.
Variant type: single nucleotide variant.
Coding change: c.1892C>T on transcript NM_003072.5 (MANE Select); coding-DNA position 1892, C replaced by T.
Protein change: p.Thr631Ile; replaces threonine 631 with isoleucine.
Molecular consequence: missense variant. On other transcripts: non-coding transcript variant (1).
Genome position (GRCh38, 1-based): chr19:11,003,108, C>T. VCF-style: chr19-11003108-C-T. GRCh37 (hg19) VCF-style: chr19-11113784-C-T.
Other names: c.1892C>T, p.Thr631Ile (NM_001128844.3, NM_001128845.2, NM_001128846.2 and 5 more transcripts); short protein forms T631I.
Identifiers: ClinVar variation 480596 (VCV000480596.18), dbSNP rs1555768365, ClinGen allele CA404051619.
Genomic context (GRCh38, chr19:11,003,108, plus strand): 5'-AGATGAGCGACCTCCCGGTGAAGGTGATCCACGTGGAGAGTGGGAAGATCCTCACAGGCA[C>T]AGATGCCCCCAAAGCCGGGCAGCTGGAGGCCTGGCTCGAGATGAACCCGGGGTGAGTTGG-3'
Protein context (NP_003063.2, residues 621-641): HVESGKILTG[Thr631Ile]DAPKAGQLEA

ClinVar aggregate classification (germline): Conflicting classifications of pathogenicity. Review status: criteria provided, conflicting classifications (1 of 4 stars). 5 submissions from 5 submitters: Uncertain significance (4); Likely benign (1). Last evaluated 2024-02-19.

Conditions:
SMARCA4-related disorder. Also called: SMARCA4-related condition.
Intellectual disability, autosomal dominant 16 (CSS4). Also called: COFFIN-SIRIS SYNDROME 4. Identifiers: Orphanet 1465, MedGen C3553249, MONDO:0013821, OMIM 614609.
Hereditary cancer-predisposing syndrome. Also called: Hereditary Cancer Syndrome; Neoplastic Syndromes, Hereditary; Tumor predisposition; Hereditary neoplastic syndrome. Identifiers: Orphanet 140162, MedGen C0027672, MeSH D009386, MONDO:0015356.
Rhabdoid tumor predisposition syndrome 2 (RTPS2). Identifiers: Orphanet 231108, Orphanet 69077, MedGen C2750074, MONDO:0013224, OMIM 613325.

Submissions (5):

Ambry Genetics
Classification: Likely benign for Hereditary cancer-predisposing syndrome. Last evaluated: 2024-02-19. Review status: criteria provided, single submitter. Criteria: Ambry Variant Classification Scheme 2023. Collection method: clinical testing. Allele origin: germline.

Labcorp Genetics (formerly Invitae), Labcorp
Classification: Uncertain significance for Rhabdoid tumor predisposition syndrome 2. Last evaluated: 2024-01-24. Review status: criteria provided, single submitter. Criteria: Invitae Variant Classification Sherloc (09022015). Collection method: clinical testing. Allele origin: germline.
Comment: This sequence change replaces threonine, which is neutral and polar, with isoleucine, which is neutral and non-polar, at codon 631 of the SMARCA4 protein (p.Thr631Ile). This variant is not present in population databases (gnomAD no frequency). This variant has not been reported in the literature in individuals affected with SMARCA4-related conditions. ClinVar contains an entry for this variant (Variation ID: 480596). Advanced modeling of protein sequence and biophysical properties (such as structural, functional, and spatial information, amino acid conservation, physicochemical variation, residue mobility, and thermodynamic stability) performed at Invitae indicates that this missense variant is not expected to disrupt SMARCA4 protein function with a negative predictive value of 95%. In summary, the available evidence is currently insufficient to determine the role of this variant in disease. Therefore, it has been classified as a Variant of Uncertain Significance.

Baylor Genetics
Classification: Uncertain significance for Rhabdoid tumor predisposition syndrome 2. Last evaluated: 2023-05-26. Review status: criteria provided, single submitter. Criteria: ACMG Guidelines, 2015. Collection method: clinical testing. Allele origin: unknown.

PreventionGenetics, part of Exact Sciences
Classification: Uncertain significance for SMARCA4-related condition. Last evaluated: 2023-03-19. Review status: criteria provided, single submitter. Criteria: ACMG Guidelines, 2015. Collection method: clinical testing. Allele origin: germline.
Comment: The SMARCA4 c.1892C>T variant is predicted to result in the amino acid substitution p.Thr631Ile. To our knowledge, this variant has not been reported in the literature or in a large population database, indicating this variant is rare. It is interpreted as uncertain significance in ClinVar. At this time, the clinical significance of this variant is uncertain due to the absence of conclusive functional and genetic evidence.

Genome-Nilou Lab
Classification: Uncertain significance for Intellectual disability, autosomal dominant 16. Last evaluated: 2021-07-15. Review status: criteria provided, single submitter. Criteria: ACMG Guidelines, 2015. Collection method: clinical testing. Allele origin: germline. Affected: no.